The following is an entry in ClinVar:

NM_006892.4(DNMT3B):c.154A>C (p.Ser52Arg)

Gene: DNMT3B (DNA methyltransferase 3 beta; plus strand). Cytogenetic location: 20q11.21.
Variant type: single nucleotide variant.
Coding change: c.154A>C on transcript NM_006892.4 (MANE Select); coding-DNA position 154, A replaced by C.
Protein change: p.Ser52Arg; replaces serine 52 with arginine.
Molecular consequence: missense variant.
Genome position (GRCh38, 1-based): chr20:32,781,364, A>C. VCF-style: chr20-32781364-A-C. GRCh37 (hg19) VCF-style: chr20-31369170-A-C.
Other names: c.154A>C, p.Ser52Arg (NM_001207055.2, NM_001207056.2, NM_175848.2 and 1 more transcripts); c.190A>C, p.Ser64Arg (NM_175850.3); short protein forms S52R, S64R.
Identifiers: ClinVar variation 849012 (VCV000849012.8), dbSNP rs1978603308, ClinGen allele CA408584981.

ClinVar aggregate classification (germline): Uncertain significance (1 of 4 stars; one submission).

Conditions:
Centromeric instability of chromosomes 1,9 and 16 and immunodeficiency (ICF1). Also called: CENTROMERIC INSTABILITY, IMMUNODEFICIENCY SYNDROME; Immunodeficiency-centromeric instability-facial anomalies; IMMUNE DEFICIENCY, VARIABLE, WITH CENTROMERIC INSTABILITY OF CHROMOSOMES 1, 9, AND 16; IMMUNODEFICIENCY SYNDROME, VARIABLE. Identifiers: Orphanet 2268, MedGen C0398788, MONDO:0000133.

Allele frequency attached by ClinVar (database versions not stated): gnomAD exomes below 0.00001.
gnomAD v4.1: 2 of 1,614,196 alleles (0.00012%); highest among the groups gnomAD compares: Non-Finnish European, 0.00017%; no homozygotes.

Submission:

Labcorp Genetics (formerly Invitae), Labcorp
Classification: Uncertain significance for Centromeric instability of chromosomes 1,9 and 16 and immunodeficiency. Last evaluated: 2024-12-16. Review status: criteria provided, single submitter. Criteria: Invitae Variant Classification Sherloc (09022015). Collection method: clinical testing. Allele origin: germline.
Comment: This sequence change replaces serine, which is neutral and polar, with arginine, which is basic and polar, at codon 52 of the DNMT3B protein (p.Ser52Arg). This variant is not present in population databases (gnomAD no frequency). This variant has not been reported in the literature in individuals affected with DNMT3B-related conditions. ClinVar contains an entry for this variant (Variation ID: 849012). Invitae Evidence Modeling of protein sequence and biophysical properties (such as structural, functional, and spatial information, amino acid conservation, physicochemical variation, residue mobility, and thermodynamic stability) has been performed for this missense variant. However, the output from this modeling did not meet the statistical confidence thresholds required to predict the impact of this variant on DNMT3B protein function. In summary, the available evidence is currently insufficient to determine the role of this variant in disease. Therefore, it has been classified as a Variant of Uncertain Significance.